The following is an entry in ClinVar:

NM_002834.5(PTPN11):c.1281C>T (p.Gly427=)

Gene: PTPN11 (protein tyrosine phosphatase non-receptor type 11; plus strand). Cytogenetic location: 12q24.13.
Variant type: single nucleotide variant.
Coding change: c.1281C>T on transcript NM_002834.5 (MANE Select); coding-DNA position 1281, C replaced by T.
Protein change: p.Gly427=; no amino-acid change (glycine 427 retained).
Molecular consequence: synonymous variant.
Genome position (GRCh38, 1-based): chr12:112,486,531, C>T. VCF-style: chr12-112486531-C-T. GRCh37 (hg19) VCF-style: chr12-112924335-C-T.
Other names: p.Gly427=; c.1293C>T, p.Gly431= (NM_001330437.2); c.1278C>T, p.Gly426= (NM_001374625.1); c.1281C>T, p.Gly427= (NM_080601.3); c.1281C>T (NM_002834.4).
Identifiers: ClinVar variation 510790 (VCV000510790.37), dbSNP rs753173299, ClinGen allele CA6798759.

ClinVar aggregate classification (germline): Conflicting classifications of pathogenicity. Review status: criteria provided, conflicting classifications (1 of 4 stars). 8 submissions from 8 submitters: Uncertain significance (1); Likely benign (7). Last evaluated 2025-07-14.

Conditions:
RASopathy. Also called: Noonan spectrum disorder; rasopathies. Identifiers: Orphanet 536391, MedGen C5555857, MONDO:0021060.
Noonan syndrome and Noonan-related syndrome. Identifiers: Orphanet 98733, MedGen C5681679, MONDO:0020297.
Cardiovascular phenotype. Identifiers: MedGen CN230736.

Allele frequency attached by ClinVar (database versions not stated): gnomAD below 0.00001 and 0.00001; TOPMed 0.00001; gnomAD exomes 0.00002 and 0.00004; ExAC 0.00005.
gnomAD v4.1: 32 of 1,614,110 alleles (0.002%); highest among the groups gnomAD compares: Middle Eastern, 0.033%; no homozygotes.

Submissions (8):

Labcorp Genetics (formerly Invitae), Labcorp
Classification: Likely benign for RASopathy. Last evaluated: 2025-07-14. Review status: criteria provided, single submitter. Criteria: Invitae Variant Classification Sherloc (09022015). Collection method: clinical testing. Allele origin: germline.

Mayo Clinic Laboratories, Mayo Clinic
Classification: Likely benign. Last evaluated: 2025-05-07. Review status: criteria provided, single submitter. Criteria: ACMG Guidelines, 2015. Collection method: clinical testing. Allele origin: germline. Observed: 1 variant allele.
Comment: BP4, BP7

CeGaT Center for Human Genetics Tuebingen
Classification: Likely benign. Last evaluated: 2025-04-01. Review status: criteria provided, single submitter. Criteria: CeGaT Center For Human Genetics Tuebingen Variant Classification Criteria Version 2. Collection method: clinical testing. Allele origin: germline. Affected: yes. Observed: 2 variant alleles.
Comment: PTPN11: BP4, BP7

Blueprint Genetics
Classification: Likely benign. Last evaluated: 2023-12-07. Review status: criteria provided, single submitter. Criteria: ACMG Guidelines, 2015. Collection method: clinical testing. Allele origin: germline.

Women's Health and Genetics/Laboratory Corporation of America, LabCorp
Classification: Likely benign. Last evaluated: 2023-06-13. Review status: criteria provided, single submitter. Criteria: LabCorp Variant Classification Summary - May 2015. Collection method: clinical testing. Allele origin: germline.

Ambry Genetics
Classification: Likely benign for Cardiovascular phenotype. Last evaluated: 2023-04-13. Review status: criteria provided, single submitter. Criteria: Ambry Variant Classification Scheme 2023. Collection method: clinical testing. Allele origin: germline.

Genome Diagnostics Laboratory, The Hospital for Sick Children
Classification: Uncertain significance for Noonan syndrome and Noonan-related syndrome. Last evaluated: 2018-09-01. Review status: criteria provided, single submitter. Criteria: ACMG Guidelines, 2015. Collection method: clinical testing. Allele origin: germline.

GeneDx
Classification: Likely benign. Last evaluated: 2017-06-23. Review status: criteria provided, single submitter. Criteria: GeneDx Variant Classification (06012015). Collection method: clinical testing. Allele origin: germline. Affected: yes.
Comment: This variant is considered likely benign or benign based on one or more of the following criteria: it is a conservative change, it occurs at a poorly conserved position in the protein, it is predicted to be benign by multiple in silico algorithms, and/or has population frequency not consistent with disease.